The following is an entry in ClinVar:

ClinVar aggregate classification (germline): Pathogenic. Review status: criteria provided, multiple submitters, no conflicts (2 of 4 stars). 2 submissions from 2 submitters: Pathogenic (2). Last evaluated 2025-10-10.

Conditions:
Amyloidosis, hereditary systemic 1 (AMYLD1). Also called: Familial amyloid polyneuropathy; Transthyretin Amyloidosis; Hereditary Transthyretin Amyloidosis; Isolated Cardiac Amyloidosis; Amyloid Cardiomyopathy, Transthyretin-related; AMYLOID CARDIOMYOPATHY. Identifiers: Orphanet 85447, Orphanet 85451, MedGen C2751492, MONDO:0971004, OMIM 105210.

Submissions (2):

Athena Diagnostics
Classification: Pathogenic. Last evaluated: 2025-10-10. Review status: criteria provided, single submitter. Criteria: Athena Diagnostics Criteria. Collection method: clinical testing. Allele origin: unknown.
Comment: This variant has not been reported in large, multi-ethnic general populations. This variant has been identified in multiple unrelated individuals with clinical features associated with transthyretin-related amyloidosis. Multiple affected individuals have been reported with missense changes at this codon, suggesting this variant also causes disease. In some published literature, this variant is referred to as Phe64Ser. Assessment of experimental evidence suggests this variant results in abnormal protein function. (PMID: 15820680, 33802170)

Labcorp Genetics (formerly Invitae), Labcorp
Classification: Pathogenic for Amyloidosis, hereditary systemic 1. Last evaluated: 2024-06-17. Review status: criteria provided, single submitter. Criteria: Invitae Variant Classification Sherloc (09022015). Collection method: clinical testing. Allele origin: germline.
Comment: This sequence change replaces phenylalanine, which is neutral and non-polar, with serine, which is neutral and polar, at codon 84 of the TTR protein (p.Phe84Ser). This variant is not present in population databases (gnomAD no frequency). This missense change has been observed in individual(s) with hereditary transthyretin-mediated amyloidosis (hATTR amyloidosis) (PMID: 10488818). This variant is also known as c.3293T>C (p.Phe64Ser). ClinVar contains an entry for this variant (Variation ID: 1067500). Advanced modeling of protein sequence and biophysical properties (such as structural, functional, and spatial information, amino acid conservation, physicochemical variation, residue mobility, and thermodynamic stability) performed at Invitae indicates that this missense variant is expected to disrupt TTR protein function with a positive predictive value of 95%. Experimental studies have shown that this missense change affects TTR function (PMID: 15820680). This variant disrupts the p.Phe84 amino acid residue in TTR. Other variant(s) that disrupt this residue have been determined to be pathogenic (PMID: 2046936, 8721565, 22745357, 23279339, 28635949). This suggests that this residue is clinically significant, and that variants that disrupt this residue are likely to be disease-causing. For these reasons, this variant has been classified as Pathogenic.

Literature cited by the submitters: PubMed 10488818 (cited by Athena Diagnostics and Labcorp Genetics (formerly Invitae), Labcorp); PubMed 15820680 (cited by Athena Diagnostics and Labcorp Genetics (formerly Invitae), Labcorp); PubMed 26656838 (cited by Athena Diagnostics); PubMed 35795194 (cited by Athena Diagnostics); PubMed 22620962 (cited by Athena Diagnostics); PubMed 33802170 (cited by Athena Diagnostics); PubMed 37849451 (cited by Athena Diagnostics); PubMed 2046936 (cited by Labcorp Genetics (formerly Invitae), Labcorp); PubMed 8721565 (cited by Labcorp Genetics (formerly Invitae), Labcorp); PubMed 22745357 (cited by Labcorp Genetics (formerly Invitae), Labcorp); PubMed 23279339 (cited by Labcorp Genetics (formerly Invitae), Labcorp); PubMed 28635949 (cited by Labcorp Genetics (formerly Invitae), Labcorp).

NM_000371.4(TTR):c.251T>C (p.Phe84Ser)

Gene: TTR (transthyretin; plus strand). Cytogenetic location: 18q12.1.
Variant type: single nucleotide variant.
Coding change: c.251T>C on transcript NM_000371.4 (MANE Select); coding-DNA position 251, T replaced by C.
Protein change: p.Phe84Ser; replaces phenylalanine 84 with serine.
Molecular consequence: missense variant.
Genome position (GRCh38, 1-based): chr18:31,595,170, T>C. VCF-style: chr18-31595170-T-C. GRCh37 (hg19) VCF-style: chr18-29175133-T-C.
Other names: c.251T>C (NM_000371.3); short protein forms F84S.
Identifiers: ClinVar variation 1067500 (VCV001067500.8), dbSNP rs121918099, ClinGen allele CA297739084.